The following is an entry in ClinVar:

ClinVar aggregate classification (germline): Pathogenic (1 of 4 stars; one submission).

Conditions:
Developmental and epileptic encephalopathy, 2 (DEE2). Also called: CDKL5 deficiency disorder; INFANTILE SPASM SYNDROME, X-LINKED 2. Identifiers: Orphanet 1934, Orphanet 3451, Orphanet 505652, MedGen C4750718, MONDO:0010396, OMIM 300672.
Angelman syndrome-like. Identifiers: MedGen CN128785.

Submission:

Labcorp Genetics (formerly Invitae), Labcorp
Classification: Pathogenic for Developmental and epileptic encephalopathy, 2; Angelman syndrome-like. Last evaluated: 2020-03-06. Review status: criteria provided, single submitter. Criteria: Invitae Variant Classification Sherloc (09022015). Collection method: clinical testing. Allele origin: germline.
Comment: For these reasons, this variant has been classified as Pathogenic. Loss-of-function variants in CDKL5 are known to be pathogenic (PMID: 22872100). This variant has not been reported in the literature in individuals with CDKL5-related conditions. This variant is not present in population databases (ExAC no frequency). This sequence change creates a premature translational stop signal (p.His676Ilefs*108) in the CDKL5 gene. It is expected to result in an absent or disrupted protein product.

Literature cited by the submitters: PubMed 22872100.

NM_001323289.2(CDKL5):c.2026del (p.His676fs)

Gene: CDKL5 (cyclin dependent kinase like 5; plus strand). Cytogenetic location: Xp22.13.
Variant type: Deletion.
Coding change: c.2026del on transcript NM_001323289.2 (MANE Select); coding-DNA position 2026, one base deleted (C; older notation c.2026delC).
Protein change: p.His676fs; shifts the reading frame from histidine 676.
Molecular consequence: frameshift variant.
Genome position (GRCh38, 1-based): chrX:18,608,892, C deleted; the last of 2 consecutive C bases (chrX:18,608,891-18,608,892); deleting either gives the same sequence. VCF-style (leftmost placement, unchanged base first): chrX-18608890-TC-T. GRCh37 (hg19) VCF-style: chrX-18627010-TC-T.
Other names: c.2026del, p.His676fs (NM_001037343.2, NM_003159.3); short protein forms H676fs.
Identifiers: ClinVar variation 947188 (VCV000947188.8), dbSNP rs1926450614, ClinGen allele CA1139667246.